The following is an entry in ClinVar:

ClinVar aggregate classification (germline): Uncertain significance. Review status: criteria provided, multiple submitters, no conflicts (2 of 4 stars). 2 submissions from 2 submitters: Uncertain significance (2). Last evaluated 2025-06-18.

Conditions:
Cataract 39 multiple types. Also called: Cataract 39, multiple types, autosomal dominant. Identifiers: Orphanet 91492, MedGen C3808800, MONDO:0014075, OMIM 615188.

Allele frequency attached by ClinVar (database versions not stated): gnomAD exomes 0.00001; gnomAD 0.00003.

Submissions (2):

Ambry Genetics
Classification: Uncertain significance. Last evaluated: 2025-06-18. Review status: criteria provided, single submitter. Criteria: Ambry Variant Classification Scheme 2023. Collection method: clinical testing. Allele origin: germline.

Labcorp Genetics (formerly Invitae), Labcorp
Classification: Uncertain significance for Cataract 39 multiple types. Last evaluated: 2024-01-05. Review status: criteria provided, single submitter. Criteria: Invitae Variant Classification Sherloc (09022015). Collection method: clinical testing. Allele origin: germline.
Comment: This sequence change replaces proline, which is neutral and non-polar, with arginine, which is basic and polar, at codon 28 of the CRYGB protein (p.Pro28Arg). The frequency data for this variant in the population databases is considered unreliable, as metrics indicate poor data quality at this position in the gnomAD database. This variant has not been reported in the literature in individuals affected with CRYGB-related conditions. An algorithm developed to predict the effect of missense changes on protein structure and function (PolyPhen-2) suggests that this variant is likely to be disruptive. In summary, the available evidence is currently insufficient to determine the role of this variant in disease. Therefore, it has been classified as a Variant of Uncertain Significance.

NM_005210.4(CRYGB):c.83C>G (p.Pro28Arg)

Genes: CRYGB (crystallin gamma B; minus strand), LOC100507443 (uncharacterized LOC100507443; plus strand). Cytogenetic location: 2q33.3.
Variant type: single nucleotide variant.
Coding change: c.83C>G on transcript NM_005210.4 (MANE Select); coding-DNA position 83, C replaced by G.
Protein change: p.Pro28Arg; replaces proline 28 with arginine.
Molecular consequence: missense variant.
Genome position (GRCh38, 1-based): chr2:208,145,943, G>C on the plus strand (C>G on the coding strand, the complement: CRYGB is on the minus strand). VCF-style: chr2-208145943-G-C. GRCh37 (hg19) VCF-style: chr2-209010667-G-C.
Other names: c.83C>G (NM_005210.3); short protein forms P28R.
Identifiers: ClinVar variation 2914911 (VCV002914911.4), dbSNP rs966257842, ClinGen allele CA64557453.